The following is an entry in ClinVar:

NM_003000.3(SDHB):c.124T>C (p.Phe42Leu)

Gene: SDHB (succinate dehydrogenase complex iron sulfur subunit B; minus strand). Cytogenetic location: 1p36.13.
Variant type: single nucleotide variant.
Coding change: c.124T>C on transcript NM_003000.3 (MANE Select); coding-DNA position 124, T replaced by C.
Protein change: p.Phe42Leu; replaces phenylalanine 42 with leucine.
Molecular consequence: missense variant.
Genome position (GRCh38, 1-based): chr1:17,044,837, A>G on the plus strand (T>C on the coding strand, the complement: SDHB is on the minus strand). VCF-style: chr1-17044837-A-G. GRCh37 (hg19) VCF-style: chr1-17371332-A-G.
Other names: c.124T>C, p.Phe42Leu (NM_001407361.1); short protein forms F42L.
Identifiers: ClinVar variation 2126124 (VCV002126124.5), dbSNP rs767667150, ClinGen allele CA089516.

ClinVar aggregate classification (germline): Uncertain significance. Review status: criteria provided, multiple submitters, no conflicts (2 of 4 stars). 2 submissions from 2 submitters: Uncertain significance (2). Last evaluated 2023-12-18.

Conditions:
Pheochromocytoma. Also called: MAX-Related Hereditary Paraganglioma-Pheochromocytoma Syndrome. Identifiers: Orphanet 29072, MedGen C0031511, MONDO:0008233, OMIM 171300, HP:0002666.
Pheochromocytoma/paraganglioma syndrome 4. Also called: CAROTID BODY TUMORS AND MULTIPLE EXTRAADRENAL PHEOCHROMOCYTOMAS; SDHB-Related Hereditary Paraganglioma-Pheochromocytoma Syndrome (Paragangliomas 4); SDHB-Related Hereditary Paraganglioma-Pheochromocytoma Syndrome; PARAGANGLIOMA, FAMILIAL MALIGNANT; PARAGANGLIOMAS, HEREDITARY EXTRAADRENAL; PHEOCHROMOCYTOMA, FAMILIAL EXTRAADRENAL. Identifiers: Orphanet 29072, MedGen C1861848, MONDO:0007273, OMIM 115310.
Gastrointestinal stromal tumor. Also called: Gastrointestinal stroma tumor; Gastrointestinal stromal tumor, somatic. Identifiers: Orphanet 44890, MedGen C0238198, MeSH D046152, MONDO:0011719, OMIM 606764, HP:0100723.
Hereditary cancer-predisposing syndrome. Also called: Hereditary Cancer Syndrome; Hereditary neoplastic syndrome; Neoplastic Syndromes, Hereditary; Tumor predisposition. Identifiers: Orphanet 140162, MedGen C0027672, MeSH D009386, MONDO:0015356.

Allele frequency attached by ClinVar (database versions not stated): gnomAD exomes below 0.00001; ExAC 0.00001.
gnomAD v4.1: 1 of 1,613,916 alleles (0.000062%); highest among the groups gnomAD compares: Non-Finnish European, 0.000085%; no homozygotes.

Submissions (2):

Ambry Genetics
Classification: Uncertain significance for Hereditary cancer-predisposing syndrome. Last evaluated: 2023-12-18. Review status: criteria provided, single submitter. Criteria: Ambry Variant Classification Scheme 2023. Collection method: clinical testing. Allele origin: germline.
Comment: The p.F42L variant (also known as c.124T>C), located in coding exon 2 of the SDHB gene, results from a T to C substitution at nucleotide position 124. The phenylalanine at codon 42 is replaced by leucine, an amino acid with highly similar properties. This amino acid position is conserved. In addition, this alteration is predicted to be deleterious by in silico analysis. Since supporting evidence is limited at this time, the clinical significance of this alteration remains unclear.

Labcorp Genetics (formerly Invitae), Labcorp
Classification: Uncertain significance for Gastrointestinal stromal tumor; Pheochromocytoma/paraganglioma syndrome 4; Pheochromocytoma. Last evaluated: 2022-04-18. Review status: criteria provided, single submitter. Criteria: Invitae Variant Classification Sherloc (09022015). Collection method: clinical testing. Allele origin: germline.
Comment: This sequence change replaces phenylalanine, which is neutral and non-polar, with leucine, which is neutral and non-polar, at codon 42 of the SDHB protein (p.Phe42Leu). In summary, the available evidence is currently insufficient to determine the role of this variant in disease. Therefore, it has been classified as a Variant of Uncertain Significance. Algorithms developed to predict the effect of missense changes on protein structure and function are either unavailable or do not agree on the potential impact of this missense change (SIFT: "Deleterious"; PolyPhen-2: "Benign"; Align-GVGD: "Class C15"). This variant has not been reported in the literature in individuals affected with SDHB-related conditions. This variant is present in population databases (rs767667150, gnomAD 0.0009%).